The following is an entry in ClinVar:

ClinVar aggregate classification (germline): Likely benign (0 of 4 stars; one submission).

Conditions:
PDGFRA-related disorder. Also called: PDGFRA-related condition.

Allele frequency attached by ClinVar (database versions not stated): gnomAD exomes below 0.00001; gnomAD 0.00001; TOPMed 0.00001.
gnomAD v4.1: 2 of 407,778 alleles (0.00049%); highest among the groups gnomAD compares: Non-Finnish European, 0.001%; no homozygotes.

Submission:

PreventionGenetics, part of Exact Sciences
Classification: Likely benign for PDGFRA-related condition. Last evaluated: 2023-07-14. Review status: no assertion criteria provided. Collection method: clinical testing. Allele origin: germline.
Comment: This variant is classified as likely benign based on ACMG/AMP sequence variant interpretation guidelines (Richards et al. 2015 PMID: 25741868, with internal and published modifications).

NM_006206.6(PDGFRA):c.-13+10673A>G

Gene: PDGFRA (platelet derived growth factor receptor alpha; plus strand). Cytogenetic location: 4q12.
Variant type: single nucleotide variant.
Coding change: c.-13+10673A>G on transcript NM_006206.6 (MANE Select); 10673 bases into the intron after 13 bases upstream of the start codon, A replaced by G.
Molecular consequence: intron variant. On other transcripts: synonymous variant (1).
Genome position (GRCh38, 1-based): chr4:54,240,088, A>G. VCF-style: chr4-54240088-A-G. GRCh37 (hg19) VCF-style: chr4-55106255-A-G.
Other names: c.36A>G, p.Gln12= (NM_001347828.2); c.-13+10673A>G (NM_001347827.2); c.-13+6645A>G (NM_001347829.2); c.27+5590A>G (NM_001347830.2).
Identifiers: ClinVar variation 3032962 (VCV003032962.2), dbSNP rs971169534, ClinGen allele CA96831086.